The following is an entry in ClinVar:

ClinVar aggregate classification (germline): Uncertain significance (1 of 4 stars; one submission).

Conditions:
Nephrolithiasis/nephrocalcinosis. Identifiers: MedGen CN580796.

Submission:

Ambry Genetics
Classification: Uncertain significance for Nephrolithiasis/nephrocalcinosis. Last evaluated: 2023-05-13. Review status: criteria provided, single submitter. Criteria: Ambry Variant Classification Scheme 2023. Collection method: clinical testing. Allele origin: germline.
Comment: The p.A264T variant (also known as c.790G>A), located in coding exon 3 of the CASR gene, results from a G to A substitution at nucleotide position 790. The alanine at codon 264 is replaced by threonine, an amino acid with similar properties. This amino acid position is conserved. In addition, this alteration is predicted to be deleterious by in silico analysis. Since supporting evidence is limited at this time, the clinical significance of this alteration remains unclear.

NM_000388.4(CASR):c.790G>A (p.Ala264Thr)

Gene: CASR (calcium sensing receptor; plus strand). Cytogenetic location: 3q21.1.
Variant type: single nucleotide variant.
Coding change: c.790G>A on transcript NM_000388.4 (MANE Select); coding-DNA position 790, G replaced by A.
Protein change: p.Ala264Thr; replaces alanine 264 with threonine.
Molecular consequence: missense variant.
Genome position (GRCh38, 1-based): chr3:122,261,825, G>A. VCF-style: chr3-122261825-G-A. GRCh37 (hg19) VCF-style: chr3-121980672-G-A.
Other names: c.790G>A, p.Ala264Thr (NM_001178065.2); short protein forms A264T.
Identifiers: ClinVar variation 3231588 (VCV003231588.1), dbSNP rs2473226495, ClinGen allele CA354151359.
Genomic context (GRCh38, chr3:122,261,825, plus strand): 5'-TCCCAGTACTCTGATGAGGAAGAGATCCAGCATGTGGTAGAGGTGATTCAAAATTCCACG[G>A]CCAAAGTCATCGTGGTTTTCTCCAGTGGCCCAGATCTTGAGCCCCTCATCAAGGAGATTG-3'
Protein context (NP_000379.3, residues 254-274): HVVEVIQNST[Ala264Thr]KVIVVFSSGP